The following is an entry in ClinVar:

ClinVar aggregate classification (germline): Benign. Review status: criteria provided, multiple submitters, no conflicts (2 of 4 stars). 15 submissions from 14 submitters: Benign (12). 3 of the submissions do not count toward it. Last evaluated 2026-02-04.

Conditions:
Dilated cardiomyopathy 3B (CMD3B). Also called: CMD3B: DMD-Related Dilated Cardiomyopathy; CARDIOMYOPATHY, DILATED, X-LINKED; DMD-Associated Dilated Cardiomyopathy. Identifiers: Orphanet 154, MedGen C3668940, MONDO:0010542, OMIM 302045.
Becker muscular dystrophy (BMD). Also called: MUSCULAR DYSTROPHY, PSEUDOHYPERTROPHIC PROGRESSIVE, BECKER TYPE; Becker Muscular Dystrophy (BMD). Identifiers: Orphanet 98895, MedGen C0917713, MONDO:0010311, OMIM 300376.
Duchenne muscular dystrophy (DMD). Also called: Duchenne Muscular Dystrophy (DMD); MUSCULAR DYSTROPHY, PSEUDOHYPERTROPHIC PROGRESSIVE, DUCHENNE TYPE. Identifiers: Orphanet 98896, MedGen C0013264, MONDO:0010679, OMIM 310200.
Cardiomyopathy (CMYO). Also called: Cardiomyopathies. Identifiers: Orphanet 167848, MedGen C0878544, MONDO:0004994, HP:0001638. Inheritance: Various modes of inheritance.
Dystrophin deficiency.

Allele frequency attached by ClinVar (database versions not stated): gnomAD exomes 0.25956 and 0.31252; ExAC 0.32034; gnomAD 0.32216 and 0.32379; ESP Exome Variant Server 0.32472; TOPMed 0.34173; 1000 Genomes Project 0.41219; 1000 Genomes Project 30x 0.41228.
gnomAD v4.1: 320,341 of 1,203,283 alleles (27%); highest among the groups gnomAD compares: East Asian, 53%; 31,458 homozygotes.

Submissions (15):

Labcorp Genetics (formerly Invitae), Labcorp
Classification: Benign for Duchenne muscular dystrophy. Last evaluated: 2026-02-04. Review status: criteria provided, single submitter. Criteria: Invitae Variant Classification Sherloc (09022015). Collection method: clinical testing. Allele origin: germline.

ARUP Laboratories, Molecular Genetics and Genomics, ARUP Laboratories
Classification: Benign. Last evaluated: 2025-07-22. Review status: criteria provided, single submitter. Criteria: ARUP Molecular Germline Variant Investigation Process 2024. Collection method: clinical testing. Allele origin: germline.

Blueprint Genetics
Classification: Benign. Last evaluated: 2024-11-28. Review status: criteria provided, single submitter. Criteria: ACMG Guidelines, 2015. Collection method: clinical testing. Allele origin: germline.

Genome-Nilou Lab
Classification: Benign for Dilated cardiomyopathy 3B. Last evaluated: 2021-07-30. Review status: criteria provided, single submitter. Criteria: ACMG Guidelines, 2015. Collection method: clinical testing. Allele origin: germline. Affected: no.

Genome-Nilou Lab
Classification: Benign for Duchenne muscular dystrophy. Last evaluated: 2021-07-30. Review status: criteria provided, single submitter. Criteria: ACMG Guidelines, 2015. Collection method: clinical testing. Allele origin: germline. Affected: no.

Women's Health and Genetics/Laboratory Corporation of America, LabCorp
Classification: Benign. Last evaluated: 2018-07-12. Review status: criteria provided, single submitter. Criteria: LabCorp Variant Classification Summary - May 2015. Collection method: clinical testing. Allele origin: germline.
Comment: Variant summary: DMD c.2168+13T>C alters a non-conserved nucleotide located close to a canonical splice site and therefore could affect mRNA splicing, leading to a significantly altered protein sequence. The variant allele was found at a frequency of 0.32 in 82561 control chromosomes in the ExAC database, including 3112 homozygotes. The observed variant frequency is approximately 28.65 fold of the estimated maximal expected allele frequency for a pathogenic variant in DMD causing Dystrophiopathies phenotype (0.011), strongly suggesting that the variant is benign. To our knowledge, no occurrence of c.2168+13T>C in individuals affected with Dystrophiopathies and no experimental evidence demonstrating its impact on protein function have been reported. Three clinical diagnostic laboratories have submitted clinical-significance assessments for this variant to ClinVar after 2014 without evidence for independent evaluation. All laboratories classified the variant as benign/likely benign. Based on the evidence outlined above, the variant was classified as benign.

Illumina Laboratory Services, Illumina
Classification: Benign for Dilated cardiomyopathy 3B. Last evaluated: 2018-01-13. Review status: criteria provided, single submitter. Criteria: ICSL Variant Classification Criteria 13 December 2019. Collection method: clinical testing. Allele origin: germline.
Comment: This variant was observed in the ICSL laboratory as part of a predisposition screen in an ostensibly healthy population. It had not been previously curated by ICSL or reported in the Human Gene Mutation Database (HGMD: prior to June 1st, 2018), and was therefore a candidate for classification through an automated scoring system. Utilizing variant allele frequency, disease prevalence and penetrance estimates, and inheritance mode, an automated score was calculated to assess if this variant is too frequent to cause the disease. Based on the score and internal cut-off values, a variant classified as benign is not then subjected to further curation. The score for this variant resulted in a classification of benign for this disease.

Eurofins Ntd Llc (ga)
Classification: Benign. Last evaluated: 2017-04-24. Review status: criteria provided, single submitter. Criteria: EGL Classification Definitions 2015. Collection method: clinical testing. Allele origin: germline. Observed: 295 variant alleles, 102 heterozygotes, 44 homozygotes, 149 hemizygotes.

Laboratory for Molecular Medicine, Mass General Brigham Personalized Medicine
Classification: Benign. Last evaluated: 2015-01-13. Review status: criteria provided, single submitter. Criteria: LMM Criteria. Collection method: clinical testing. Allele origin: germline. Observed: 239 variant alleles.
Comment: c.2168+13T>C in intron 17 of DMD: This variant is not expected to have clinical significance because it is not located within the conserved splice consensus seq uence. It has been identified in 47.4% (1816/3833) of African American chromosom es from a broad population by the NHLBI Exome Sequencing Project (.; dbSNP rs228373).

GeneDx
Classification: Benign. Last evaluated: 2013-11-22. Review status: criteria provided, single submitter. Criteria: GeneDx Variant Classification (06012015). Collection method: clinical testing. Allele origin: germline. Affected: yes.
Comment: This variant is considered likely benign or benign based on one or more of the following criteria: it is a conservative change, it occurs at a poorly conserved position in the protein, it is predicted to be benign by multiple in silico algorithms, and/or has population frequency not consistent with disease.

Breakthrough Genomics
Classification: Benign. Review status: criteria provided, single submitter. Criteria: ACMG Guidelines, 2015. Collection method: not provided. Allele origin: germline. Inheritance: X-linked inheritance. Affected: yes.

PreventionGenetics, part of Exact Sciences
Classification: Benign. Review status: criteria provided, single submitter. Criteria: ACMG Guidelines, 2015. Collection method: clinical testing. Allele origin: germline.

Natera, Inc.
Classification: Benign for Becker muscular dystrophy; Cardiomyopathy; Duchenne muscular dystrophy; Dystrophin deficiency. Last evaluated: 2017-08-09. Review status: no assertion criteria provided. Collection method: clinical testing. Allele origin: germline. Not counted in ClinVar's aggregate classification.

Clinical Genetics, Academic Medical Center
Classification: Benign. Review status: no assertion criteria provided. Collection method: clinical testing. Allele origin: germline. Affected: yes. Study: VKGL Data-share Consensus. Not counted in ClinVar's aggregate classification.

Diagnostic Laboratory, Department of Genetics, University Medical Center Groningen
Classification: Benign. Review status: no assertion criteria provided. Collection method: clinical testing. Allele origin: germline. Affected: yes. Study: VKGL Data-share Consensus. Not counted in ClinVar's aggregate classification.

NM_004006.3(DMD):c.2168+13T>C

Gene: DMD (dystrophin; minus strand). Cytogenetic location: Xp21.1.
Variant type: single nucleotide variant.
Coding change: c.2168+13T>C on transcript NM_004006.3 (MANE Select); 13 bases into the intron after coding-DNA position 2168, T replaced by C.
Molecular consequence: intron variant.
Genome position (GRCh38, 1-based): chrX:32,545,146, A>G on the plus strand (T>C on the coding strand, the complement: DMD is on the minus strand). VCF-style: chrX-32545146-A-G. GRCh37 (hg19) VCF-style: chrX-32563263-A-G.
Other names: c.2144+13T>C (NM_000109.4); c.2156+13T>C (NM_004009.3); c.1799+13T>C (NM_004010.3).
Identifiers: ClinVar variation 94495 (VCV000094495.43), dbSNP rs228373, ClinGen allele CA285544.